The following is an entry in ClinVar:

NM_003482.4(KMT2D):c.12664C>G (p.Leu4222Val)

Gene: KMT2D (lysine methyltransferase 2D; minus strand). Cytogenetic location: 12q13.12.
Variant type: single nucleotide variant.
Coding change: c.12664C>G on transcript NM_003482.4 (MANE Select); coding-DNA position 12664, C replaced by G.
Protein change: p.Leu4222Val; replaces leucine 4222 with valine.
Molecular consequence: missense variant.
Genome position (GRCh38, 1-based): chr12:49,032,041, G>C on the plus strand (C>G on the coding strand, the complement: KMT2D is on the minus strand). VCF-style: chr12-49032041-G-C. GRCh37 (hg19) VCF-style: chr12-49425824-G-C.
Other names: short protein forms L4222V.
Identifiers: ClinVar variation 1338047 (VCV001338047.12), dbSNP rs375330730, ClinGen allele CA6546165.

ClinVar aggregate classification (germline): Conflicting classifications of pathogenicity. Review status: criteria provided, conflicting classifications (1 of 4 stars). 3 submissions from 3 submitters: Uncertain significance (2); Benign (1). Last evaluated 2025-09-22.

Conditions:
KMT2D-related disorder. Also called: KMT2D-Related Disorders.
Kabuki syndrome. Also called: NIIKAWA-KUROKI SYNDROME; Kabuki make-up syndrome. Identifiers: Orphanet 2322, MedGen C0796004, MONDO:0016512.

Allele frequency attached by ClinVar (database versions not stated): gnomAD 0.00003; gnomAD exomes 0.00004 and 0.00006; TOPMed 0.00007; ESP Exome Variant Server 0.00008; ExAC 0.00009.
gnomAD v4.1: 57 of 1,608,992 alleles (0.0035%); highest among the groups gnomAD compares: Non-Finnish European, 0.0047%; no homozygotes.

Submissions (3):

Labcorp Genetics (formerly Invitae), Labcorp
Classification: Benign for Kabuki syndrome. Last evaluated: 2025-09-22. Review status: criteria provided, single submitter. Criteria: Invitae Variant Classification Sherloc (09022015). Collection method: clinical testing. Allele origin: germline.

PreventionGenetics, part of Exact Sciences
Classification: Uncertain significance for KMT2D-related condition. Last evaluated: 2025-08-05. Review status: criteria provided, single submitter. Criteria: ACMG Guidelines, 2015. Collection method: clinical testing. Allele origin: germline.
Comment: The KMT2D c.12664C>G variant is predicted to result in the amino acid substitution p.Leu4222Val. To our knowledge, this variant has not been reported in the literature. This variant is reported in 0.012% of alleles in individuals of European (Non-Finnish) descent in gnomAD, which may be too common to be causative. Although we suspect that this variant may be benign, at this time, the clinical significance of this variant is uncertain due to the absence of conclusive functional and genetic evidence.

Genetic Services Laboratory, University of Chicago
Classification: Uncertain significance. Last evaluated: 2021-07-29. Review status: criteria provided, single submitter. Criteria: ACMG Guidelines, 2015. Collection method: clinical testing. Allele origin: germline. Affected: no.
Comment: This sequence change does not appear to have been previously described in patients with KMT2D-related disorders and has been described in the gnomAD database with a low population frequency of 0.012% in the non-Finnish subpopulation (dbSNP rs375330730). The p.Leu4222Val change affects a moderately conserved amino acid residue located in a domain of the KMT2D protein that is not known to be functional. In-silico pathogenicity prediction tools (SIFT, PolyPhen2, Align GVGD, REVEL) provide contradictory results for the p.Leu4222Val substitution. Due to these contrasting evidences and the lack of functional studies, the clinical significance of the p.Leu4222Val change remains unknown at this time